The following is an entry in ClinVar:

NM_001572.5(IRF7):c.80A>T (p.Tyr27Phe)

Gene: IRF7 (interferon regulatory factor 7; minus strand). Cytogenetic location: 11p15.5.
Variant type: single nucleotide variant.
Coding change: c.80A>T on transcript NM_001572.5 (MANE Select); coding-DNA position 80, A replaced by T.
Protein change: p.Tyr27Phe; replaces tyrosine 27 with phenylalanine.
Molecular consequence: missense variant.
Genome position (GRCh38, 1-based): chr11:615,200, T>A on the plus strand (A>T on the coding strand, the complement: IRF7 is on the minus strand). VCF-style: chr11-615200-T-A. GRCh37 (hg19) VCF-style: chr11-615200-T-A.
Other names: c.80A>T, p.Tyr27Phe (NM_004029.4); c.119A>T, p.Tyr40Phe (NM_004031.4); short protein forms Y40F, Y27F.
Identifiers: ClinVar variation 1508173 (VCV001508173.6), dbSNP rs1856769021, ClinGen allele CA378984705.
Genomic context (GRCh38, chr11:615,200, plus strand): 5'-AAGTGCTTCCAGGGCACGCGGAAACAGGTGCGGGCCTCGTCCAGCCACTGCAGCCCCTCA[T>A]AGCAGCCGCTGCTGATCTCTCCAAGGAGCCACTCTCCGAACAGCACGCGTGGGGCTGCCC-3'
Protein context (NP_001563.2, residues 17-37): WLLGEISSGC[Tyr27Phe]EGLQWLDEAR

ClinVar aggregate classification (germline): Uncertain significance (1 of 4 stars; one submission).

Conditions:
Immunodeficiency 39 (IMD39). Identifiers: Orphanet 574918, MedGen C4225358, MONDO:0014597, OMIM 616345.

Allele frequency attached by ClinVar (database versions not stated): gnomAD exomes below 0.00001; gnomAD 0.00001; TOPMed 0.00001.

Submission:

Labcorp Genetics (formerly Invitae), Labcorp
Classification: Uncertain significance for Immunodeficiency 39. Last evaluated: 2024-03-27. Review status: criteria provided, single submitter. Criteria: Invitae Variant Classification Sherloc (09022015). Collection method: clinical testing. Allele origin: germline.
Comment: This sequence change replaces tyrosine, which is neutral and polar, with phenylalanine, which is neutral and non-polar, at codon 40 of the IRF7 protein (p.Tyr40Phe). This variant is not present in population databases (gnomAD no frequency). This variant has not been reported in the literature in individuals affected with IRF7-related conditions. ClinVar contains an entry for this variant (Variation ID: 1508173). Advanced modeling of protein sequence and biophysical properties (such as structural, functional, and spatial information, amino acid conservation, physicochemical variation, residue mobility, and thermodynamic stability) performed at Invitae indicates that this missense variant is not expected to disrupt IRF7 protein function with a negative predictive value of 80%. In summary, the available evidence is currently insufficient to determine the role of this variant in disease. Therefore, it has been classified as a Variant of Uncertain Significance.